The following is an entry in ClinVar:

ClinVar aggregate classification (germline): Uncertain significance (1 of 4 stars; one submission).

Submission:

Labcorp Genetics (formerly Invitae), Labcorp
Classification: Uncertain significance. Last evaluated: 2025-08-27. Review status: criteria provided, single submitter. Criteria: Invitae Variant Classification Sherloc (09022015). Collection method: clinical testing. Allele origin: germline.
Comment: This sequence change replaces arginine, which is basic and polar, with glycine, which is neutral and non-polar, at codon 383 of the GATA5 protein (p.Arg383Gly). This variant is not present in population databases (gnomAD no frequency). This variant has not been reported in the literature in individuals affected with GATA5-related conditions. ClinVar contains an entry for this variant (Variation ID: 1390554). An algorithm developed to predict the effect of missense changes on protein structure and function outputs the following: PolyPhen-2: "Benign". The glycine amino acid residue is found in multiple mammalian species, which suggests that this missense change does not adversely affect protein function. In summary, the available evidence is currently insufficient to determine the role of this variant in disease. Therefore, it has been classified as a Variant of Uncertain Significance.

NM_080473.5(GATA5):c.1147A>G (p.Arg383Gly)

Gene: GATA5 (GATA binding protein 5; minus strand). Cytogenetic location: 20q13.33.
Variant type: single nucleotide variant.
Coding change: c.1147A>G on transcript NM_080473.5 (MANE Select); coding-DNA position 1147, A replaced by G.
Protein change: p.Arg383Gly; replaces arginine 383 with glycine.
Molecular consequence: missense variant.
Genome position (GRCh38, 1-based): chr20:62,464,883, T>C on the plus strand (A>G on the coding strand, the complement: GATA5 is on the minus strand). VCF-style: chr20-62464883-T-C. GRCh37 (hg19) VCF-style: chr20-61039939-T-C.
Other names: short protein forms R383G.
Identifiers: ClinVar variation 1390554 (VCV001390554.8), dbSNP rs1555895863, ClinGen allele CA409551642.